The following is an entry in ClinVar:

ClinVar aggregate classification (germline): Uncertain significance (1 of 4 stars; one submission).

Conditions:
Sulfite oxidase deficiency due to molybdenum cofactor deficiency type C. Also called: Molybdenum cofactor deficiency, complementation group C; Molybdenum cofactor deficiency C. Identifiers: Orphanet 308400, Orphanet 833, MedGen C1854990, MONDO:0014212, OMIM 615501.

Submission:

Labcorp Genetics (formerly Invitae), Labcorp
Classification: Uncertain significance for Sulfite oxidase deficiency due to molybdenum cofactor deficiency type C. Last evaluated: 2025-11-09. Review status: criteria provided, single submitter. Criteria: Invitae Variant Classification Sherloc (09022015). Collection method: clinical testing. Allele origin: germline.
Comment: This sequence change replaces leucine, which is neutral and non-polar, with proline, which is neutral and non-polar, at codon 162 of the GPHN protein (p.Leu162Pro). This variant is not present in population databases (gnomAD no frequency). This variant has not been reported in the literature in individuals affected with GPHN-related conditions. Invitae Evidence Modeling of protein sequence and biophysical properties (such as structural, functional, and spatial information, amino acid conservation, physicochemical variation, residue mobility, and thermodynamic stability) indicates that this missense variant is expected to disrupt GPHN protein function with a positive predictive value of 80%. In summary, the available evidence is currently insufficient to determine the role of this variant in disease. Therefore, it has been classified as a Variant of Uncertain Significance.

NM_020806.5(GPHN):c.485T>C (p.Leu162Pro)

Gene: GPHN (gephyrin; plus strand). Cytogenetic location: 14q23.3.
Variant type: single nucleotide variant.
Coding change: c.485T>C on transcript NM_020806.5 (MANE Select); coding-DNA position 485, T replaced by C.
Protein change: p.Leu162Pro; replaces leucine 162 with proline.
Molecular consequence: missense variant.
Genome position (GRCh38, 1-based): chr14:66,922,694, T>C. VCF-style: chr14-66922694-T-C. GRCh37 (hg19) VCF-style: chr14-67389411-T-C.
Other names: c.485T>C, p.Leu162Pro (NM_001024218.2, NM_001377515.1, NM_001377516.1 and 2 more transcripts); c.524T>C, p.Leu175Pro (NM_001377514.1, NM_001377519.1); short protein forms L175P, L162P.
Identifiers: ClinVar variation 4754180 (VCV004754180.1).